The following is an entry in ClinVar:

ClinVar aggregate classification (germline): Uncertain significance. Review status: criteria provided, multiple submitters, no conflicts (2 of 4 stars). 3 submissions from 3 submitters: Uncertain significance (3). Last evaluated 2025-09-24.

Conditions:
Inborn genetic diseases. Identifiers: MedGen C0950123, MeSH D030342.
KBG syndrome (KBGS). Also called: ANKRD11-Related KBG Syndrome. Identifiers: Orphanet 2332, MedGen C0220687, MONDO:0007846, OMIM 148050.

Allele frequency attached by ClinVar (database versions not stated): TOPMed 0.00002.
gnomAD v4.1: 1 of 1,613,532 alleles (0.000062%); no homozygotes.

Submissions (3):

Labcorp Genetics (formerly Invitae), Labcorp
Classification: Uncertain significance for KBG syndrome. Last evaluated: 2025-09-24. Review status: criteria provided, single submitter. Criteria: Invitae Variant Classification Sherloc (09022015). Collection method: clinical testing. Allele origin: germline.
Comment: This sequence change replaces lysine, which is basic and polar, with asparagine, which is neutral and polar, at codon 708 of the ANKRD11 protein (p.Lys708Asn). This variant is not present in population databases (gnomAD no frequency). This variant has not been reported in the literature in individuals affected with ANKRD11-related conditions. ClinVar contains an entry for this variant (Variation ID: 2258222). Invitae Evidence Modeling of protein sequence and biophysical properties (such as structural, functional, and spatial information, amino acid conservation, physicochemical variation, residue mobility, and thermodynamic stability) indicates that this missense variant is not expected to disrupt ANKRD11 protein function with a negative predictive value of 95%. In summary, the available evidence is currently insufficient to determine the role of this variant in disease. Therefore, it has been classified as a Variant of Uncertain Significance.

Ambry Genetics
Classification: Uncertain significance for Inborn genetic diseases. Last evaluated: 2021-11-02. Review status: criteria provided, single submitter. Criteria: Ambry Variant Classification Scheme 2023. Collection method: clinical testing. Allele origin: germline.

GeneDx
Classification: Uncertain significance. Last evaluated: 2020-02-05. Review status: criteria provided, single submitter. Criteria: GeneDx Variant Classification Process June 2021. Collection method: clinical testing. Allele origin: germline. Affected: yes.
Comment: Not observed in large population cohorts (gnomAD); In silico analysis supports that this missense variant does not alter protein structure/function; Has not been previously published as pathogenic or benign to our knowledge

NM_013275.6(ANKRD11):c.2124A>T (p.Lys708Asn)

Gene: ANKRD11 (ankyrin repeat domain 11; minus strand). Cytogenetic location: 16q24.3.
Variant type: single nucleotide variant.
Coding change: c.2124A>T on transcript NM_013275.6 (MANE Select); coding-DNA position 2124, A replaced by T.
Protein change: p.Lys708Asn; replaces lysine 708 with asparagine.
Molecular consequence: missense variant.
Genome position (GRCh38, 1-based): chr16:89,284,418, T>A on the plus strand (A>T on the coding strand, the complement: ANKRD11 is on the minus strand). VCF-style: chr16-89284418-T-A. GRCh37 (hg19) VCF-style: chr16-89350826-T-A.
Other names: c.2124A>T, p.Lys708Asn (NM_001256182.2, NM_001256183.2); c.2124A>T (NM_013275.5); short protein forms K708N.
Identifiers: ClinVar variation 2258222 (VCV002258222.4), dbSNP rs2034501174, ClinGen allele CA397163135.